The following is an entry in ClinVar:

ClinVar aggregate classification (germline): Pathogenic. Review status: criteria provided, single submitter (1 of 4 stars). 2 submissions from 2 submitters: Pathogenic (1). 1 of the submissions does not count toward it. Last evaluated 2024-11-22.

Conditions:
Familial pulmonary capillary hemangiomatosis (PVOD2). Also called: Pulmonary venoocclusive disease 2; Pulmonary venoocclusive disease 2, autosomal recessive. Identifiers: Orphanet 199241, MedGen C0340848, MONDO:0009329, OMIM 234810.

Allele frequency attached by ClinVar (database versions not stated): gnomAD 0.00001; gnomAD exomes 0.00002 and 0.00005; ExAC 0.00007.
gnomAD v4.1: 30 of 1,605,410 alleles (0.0019%); highest among the groups gnomAD compares: Non-Finnish European, 0.0024%; no homozygotes.

Submissions (2):

Labcorp Genetics (formerly Invitae), Labcorp
Classification: Pathogenic. Last evaluated: 2024-11-22. Review status: criteria provided, single submitter. Criteria: Invitae Variant Classification Sherloc (09022015). Collection method: clinical testing. Allele origin: germline.
Comment: This sequence change creates a premature translational stop signal (p.Arg249*) in the EIF2AK4 gene. It is expected to result in an absent or disrupted protein product. Loss-of-function variants in EIF2AK4 are known to be pathogenic (PMID: 12215525, 24135949, 24292273, 24310610, 28972005, 29743074). This variant is present in population databases (rs202140402, gnomAD 0.01%). This premature translational stop signal has been observed in individual(s) with pulmonary veno-occlusive disease (PMID: 24292273). In at least one individual the data is consistent with being in trans (on the opposite chromosome) from a pathogenic variant. It has also been observed to segregate with disease in related individuals. ClinVar contains an entry for this variant (Variation ID: 426051). For these reasons, this variant has been classified as Pathogenic.

Rare Disease Genomics Group, St George's University of London
Classification: Pathogenic for Familial pulmonary capillary hemangiomatosis. Review status: no assertion criteria provided. Collection method: literature only. Allele origin: germline. Affected: yes. Not counted in ClinVar's aggregate classification.

Literature cited by the submitters: PubMed 12215525 (cited by Labcorp Genetics (formerly Invitae), Labcorp); PubMed 24135949 (cited by Labcorp Genetics (formerly Invitae), Labcorp); PubMed 24292273 (cited by Labcorp Genetics (formerly Invitae), Labcorp and Rare Disease Genomics Group, St George's University of London); PubMed 24310610 (cited by Labcorp Genetics (formerly Invitae), Labcorp); PubMed 28972005 (cited by Labcorp Genetics (formerly Invitae), Labcorp); PubMed 29743074 (cited by Labcorp Genetics (formerly Invitae), Labcorp).

NM_001013703.4(EIF2AK4):c.745C>T (p.Arg249Ter)

Gene: EIF2AK4 (eukaryotic translation initiation factor 2 alpha kinase 4; plus strand). Cytogenetic location: 15q15.1.
Variant type: single nucleotide variant.
Coding change: c.745C>T on transcript NM_001013703.4 (MANE Select); coding-DNA position 745, C replaced by T.
Protein change: p.Arg249Ter; replaces arginine 249 with a stop codon.
Molecular consequence: nonsense.
Genome position (GRCh38, 1-based): chr15:39,961,785, C>T. VCF-style: chr15-39961785-C-T. GRCh37 (hg19) VCF-style: chr15-40253986-C-T.
Other names: short protein forms R249*.
Identifiers: ClinVar variation 426051 (VCV000426051.6), dbSNP rs202140402, ClinGen allele CA7473620.